The following is an entry in ClinVar:

NM_000140.5(FECH):c.1152G>A (p.Leu384=)

Gene: FECH (ferrochelatase; minus strand). Cytogenetic location: 18q21.31.
Variant type: single nucleotide variant.
Coding change: c.1152G>A on transcript NM_000140.5 (MANE Select); coding-DNA position 1152, G replaced by A.
Protein change: p.Leu384=; no amino-acid change (leucine 384 retained).
Molecular consequence: synonymous variant.
Genome position (GRCh38, 1-based): chr18:57,550,832, C>T on the plus strand (G>A on the coding strand, the complement: FECH is on the minus strand). VCF-style: chr18-57550832-C-T. GRCh37 (hg19) VCF-style: chr18-55218064-C-T.
Other names: c.1170G>A, p.Leu390= (NM_001012515.4); c.1053G>A, p.Leu351= (NM_001371094.1); c.936G>A, p.Leu312= (NM_001371095.1); c.1092G>A, p.Leu364= (NM_001374778.1).
Identifiers: ClinVar variation 3031362 (VCV003031362.2), dbSNP rs147782079, ClinGen allele CA8972959.

ClinVar aggregate classification (germline): Likely benign (0 of 4 stars; one submission).

Conditions:
FECH-related disorder. Also called: FECH-related condition.

Allele frequency attached by ClinVar (database versions not stated): gnomAD exomes 0.00001; ExAC 0.00007; TOPMed 0.00016; gnomAD 0.00019; 1000 Genomes Project 0.00020; 1000 Genomes Project 30x 0.00031; ESP Exome Variant Server 0.00038.
gnomAD v4.1: 51 of 1,613,872 alleles (0.0032%); highest among the groups gnomAD compares: African/African-American, 0.055%; no homozygotes.

Submission:

PreventionGenetics, part of Exact Sciences
Classification: Likely benign for FECH-related condition. Last evaluated: 2021-01-18. Review status: no assertion criteria provided. Collection method: clinical testing. Allele origin: germline.
Comment: This variant is classified as likely benign based on ACMG/AMP sequence variant interpretation guidelines (Richards et al. 2015 PMID: 25741868, with internal and published modifications).